The following is an entry in ClinVar:

ClinVar aggregate classification (germline): Uncertain significance. Review status: criteria provided, multiple submitters, no conflicts (2 of 4 stars). 2 submissions from 2 submitters: Uncertain significance (2). Last evaluated 2025-08-14.

Conditions:
Inborn genetic diseases. Identifiers: MedGen C0950123, MeSH D030342.

Submissions (2):

Labcorp Genetics (formerly Invitae), Labcorp
Classification: Uncertain significance. Last evaluated: 2025-08-14. Review status: criteria provided, single submitter. Criteria: Invitae Variant Classification Sherloc (09022015). Collection method: clinical testing. Allele origin: germline.
Comment: This sequence change replaces cysteine, which is neutral and slightly polar, with tyrosine, which is neutral and polar, at codon 605 of the SAMD9 protein (p.Cys605Tyr). This variant is present in population databases (no rsID available, gnomAD 0.02%). This variant has not been reported in the literature in individuals affected with SAMD9-related conditions. ClinVar contains an entry for this variant (Variation ID: 3437098). Invitae Evidence Modeling of protein sequence and biophysical properties (such as structural, functional, and spatial information, amino acid conservation, physicochemical variation, residue mobility, and thermodynamic stability) indicates that this missense variant is not expected to disrupt SAMD9 protein function with a negative predictive value of 95%. In summary, the available evidence is currently insufficient to determine the role of this variant in disease. Therefore, it has been classified as a Variant of Uncertain Significance.

Ambry Genetics
Classification: Uncertain significance for Inborn genetic diseases. Last evaluated: 2024-12-08. Review status: criteria provided, single submitter. Criteria: Ambry Variant Classification Scheme 2023. Collection method: clinical testing. Allele origin: germline.
Comment: The p.C605Y variant (also known as c.1814G>A), located in coding exon 1 of the SAMD9 gene, results from a G to A substitution at nucleotide position 1814. The cysteine at codon 605 is replaced by tyrosine, an amino acid with highly dissimilar properties. This amino acid position is conserved. In addition, this alteration is predicted to be tolerated by in silico analysis. Based on the available evidence, the clinical significance of this variant remains unclear.

NM_017654.4(SAMD9):c.1814G>A (p.Cys605Tyr)

Gene: SAMD9 (sterile alpha motif domain containing 9; minus strand). Cytogenetic location: 7q21.2.
Variant type: single nucleotide variant.
Coding change: c.1814G>A on transcript NM_017654.4 (MANE Select); coding-DNA position 1814, G replaced by A.
Protein change: p.Cys605Tyr; replaces cysteine 605 with tyrosine.
Molecular consequence: missense variant.
Genome position (GRCh38, 1-based): chr7:93,104,284, C>T on the plus strand (G>A on the coding strand, the complement: SAMD9 is on the minus strand). VCF-style: chr7-93104284-C-T. GRCh37 (hg19) VCF-style: chr7-92733597-C-T.
Other names: c.1814G>A, p.Cys605Tyr (NM_001193307.2); short protein forms C605Y.
Identifiers: ClinVar variation 3437098 (VCV003437098.2).
Genomic context (GRCh38, chr7:93,104,284, plus strand): 5'-GTCACAGATTTTAGTTTAAGAATAGTGCCATTGATCTCTTCAAGGCTTAAAGCAGAAATA[C>T]ATTGGCTTGAAATTTCATCTTGGTGTTTTATTAATCTTGCTTCAAGTAGATCTTTCCATC-3'
Protein context (NP_060124.2, residues 595-615): IKHQDEISSQ[Cys605Tyr]ISALSLEEIN